The following is an entry in ClinVar:

ClinVar aggregate classification (germline): Uncertain significance (1 of 4 stars; one submission).

Allele frequency attached by ClinVar (database versions not stated): TOPMed below 0.00001; gnomAD 0.00001.
gnomAD v4.1: 1 of 1,613,488 alleles (0.000062%); highest among the groups gnomAD compares: African/African-American, 0.0013%; no homozygotes.

Submission:

Labcorp Genetics (formerly Invitae), Labcorp
Classification: Uncertain significance. Last evaluated: 2022-06-27. Review status: criteria provided, single submitter. Criteria: Invitae Variant Classification Sherloc (09022015). Collection method: clinical testing. Allele origin: germline.
Comment: This missense change has been observed in individual(s) with retinitis pigmentosa (Invitae). This variant is present in population databases (no rsID available, gnomAD 0.01%). This sequence change replaces alanine, which is neutral and non-polar, with aspartic acid, which is acidic and polar, at codon 631 of the RP1 protein (p.Ala631Asp). Algorithms developed to predict the effect of missense changes on protein structure and function are either unavailable or do not agree on the potential impact of this missense change (SIFT: "Tolerated"; PolyPhen-2: "Possibly Damaging"; Align-GVGD: "Class C0"). In summary, the available evidence is currently insufficient to determine the role of this variant in disease. Therefore, it has been classified as a Variant of Uncertain Significance.

NM_006269.2(RP1):c.1892C>A (p.Ala631Asp)

Gene: RP1 (RP1 axonemal microtubule associated; plus strand). Cytogenetic location: 8q12.1.
Variant type: single nucleotide variant.
Coding change: c.1892C>A on transcript NM_006269.2 (MANE Select); coding-DNA position 1892, C replaced by A.
Protein change: p.Ala631Asp; replaces alanine 631 with aspartic acid.
Molecular consequence: missense variant. On other transcripts: intron variant (1).
Genome position (GRCh38, 1-based): chr8:54,625,774, C>A. VCF-style: chr8-54625774-C-A. GRCh37 (hg19) VCF-style: chr8-55538334-C-A.
Other names: c.787+3486C>A (NM_001375654.1); short protein forms A631D.
Identifiers: ClinVar variation 1422333 (VCV001422333.6), dbSNP rs1299677603, ClinGen allele CA370992283.